The following is an entry in ClinVar:

NM_000135.4(FANCA):c.596+1G>C

Gene: FANCA (FA complementation group A; minus strand). Cytogenetic location: 16q24.3.
Variant type: single nucleotide variant.
Coding change: c.596+1G>C on transcript NM_000135.4 (MANE Select); the canonical splice donor site of the intron after coding-DNA position 596, G replaced by C.
Molecular consequence: splice donor variant.
Genome position (GRCh38, 1-based): chr16:89,808,293, C>G on the plus strand (G>C on the coding strand, the complement: FANCA is on the minus strand). VCF-style: chr16-89808293-C-G. GRCh37 (hg19) VCF-style: chr16-89874701-C-G.
Other names: c.596+1G>C (NM_001286167.3, NM_001018112.3); c.500+1G>C (NM_001351830.2).
Identifiers: ClinVar variation 1068388 (VCV001068388.9), dbSNP rs2143656696, ClinGen allele CA397479105.

ClinVar aggregate classification (germline): Likely pathogenic. Review status: criteria provided, multiple submitters, no conflicts (2 of 4 stars). 2 submissions from 2 submitters: Likely pathogenic (2). Last evaluated 2024-02-13.

Conditions:
Fanconi anemia (FA). Also called: Fanconi's anemia. Identifiers: Orphanet 84, MedGen C0015625, MeSH D005199, MONDO:0019391.
Fanconi anemia complementation group A (FANCA). Also called: FANCA-Related Fanconi Anemia; Fanconi anemia, group A. Identifiers: Orphanet 84, MedGen C3469521, MONDO:0009215, OMIM 227650.

Submissions (2):

Fulgent Genetics
Classification: Likely pathogenic for Fanconi anemia complementation group A. Last evaluated: 2024-02-13. Review status: criteria provided, single submitter. Criteria: ACMG Guidelines, 2015. Collection method: clinical testing. Allele origin: germline.

Labcorp Genetics (formerly Invitae), Labcorp
Classification: Likely pathogenic for Fanconi anemia. Last evaluated: 2021-08-31. Review status: criteria provided, single submitter. Criteria: Invitae Variant Classification Sherloc (09022015). Collection method: clinical testing. Allele origin: germline.
Comment: This sequence change affects a donor splice site in intron 6 of the FANCA gene. It is expected to disrupt RNA splicing. Variants that disrupt the donor or acceptor splice site typically lead to a loss of protein function (PMID: 16199547), and loss-of-function variants in FANCA are known to be pathogenic (PMID: 19367192). In summary, the currently available evidence indicates that the variant is pathogenic, but additional data are needed to prove that conclusively. Therefore, this variant has been classified as Likely Pathogenic. Algorithms developed to predict the effect of sequence changes on RNA splicing suggest that this variant may disrupt the consensus splice site. Disruption of this splice site has been observed in individual(s) with clinical features of Fanconi anemia (PMID: 24584348). This variant is not present in population databases (ExAC no frequency).

Literature cited by the submitters: PubMed 16199547 (cited by Labcorp Genetics (formerly Invitae), Labcorp); PubMed 19367192 (cited by Labcorp Genetics (formerly Invitae), Labcorp); PubMed 24584348 (cited by Labcorp Genetics (formerly Invitae), Labcorp).